The following is an entry in ClinVar:

NM_031844.3(HNRNPU):c.1544C>G (p.Thr515Ser)

Gene: HNRNPU (heterogeneous nuclear ribonucleoprotein U; minus strand). Cytogenetic location: 1q44.
Variant type: single nucleotide variant.
Coding change: c.1544C>G on transcript NM_031844.3 (MANE Select); coding-DNA position 1544, C replaced by G.
Protein change: p.Thr515Ser; replaces threonine 515 with serine.
Molecular consequence: missense variant.
Genome position (GRCh38, 1-based): chr1:244,857,668, G>C on the plus strand (C>G on the coding strand, the complement: HNRNPU is on the minus strand). VCF-style: chr1-244857668-G-C. GRCh37 (hg19) VCF-style: chr1-245020970-G-C.
Other names: c.1487C>G, p.Thr496Ser (NM_004501.3); short protein forms T496S, T515S.
Identifiers: ClinVar variation 4708936 (VCV004708936.1).

ClinVar aggregate classification (germline): Uncertain significance (1 of 4 stars; one submission).

Conditions:
Developmental and epileptic encephalopathy, 54. Also called: HNRNPU-Related Neurodevelopmental Disorder; Epileptic encephalopathy, early infantile, 54. Identifiers: MedGen C4479319, MONDO:0033363, OMIM 617391.

Submission:

Labcorp Genetics (formerly Invitae), Labcorp
Classification: Uncertain significance for Developmental and epileptic encephalopathy, 54. Last evaluated: 2025-04-07. Review status: criteria provided, single submitter. Criteria: Invitae Variant Classification Sherloc (09022015). Collection method: clinical testing. Allele origin: germline.
Comment: This sequence change replaces threonine, which is neutral and polar, with serine, which is neutral and polar, at codon 515 of the HNRNPU protein (p.Thr515Ser). This variant is present in population databases (no rsID available, gnomAD 0.0009%). This variant has not been reported in the literature in individuals affected with HNRNPU-related conditions. Invitae Evidence Modeling of protein sequence and biophysical properties (such as structural, functional, and spatial information, amino acid conservation, physicochemical variation, residue mobility, and thermodynamic stability) indicates that this missense variant is not expected to disrupt HNRNPU protein function with a negative predictive value of 95%. In summary, the available evidence is currently insufficient to determine the role of this variant in disease. Therefore, it has been classified as a Variant of Uncertain Significance.